The following is an entry in ClinVar:

ClinVar aggregate classification (germline): Benign. Review status: criteria provided, multiple submitters, no conflicts (2 of 4 stars). 3 submissions from 3 submitters: Benign (3). Last evaluated 2026-02-03.

Conditions:
Developmental and epileptic encephalopathy 94 (DEE94). Also called: CHD2-Related Neurodevelopmental Disorders; Epileptic encephalopathy, childhood-onset. Identifiers: Orphanet 1942, Orphanet 2382, MedGen C3809278, MONDO:0014150, OMIM 615369.

Allele frequency attached by ClinVar (database versions not stated): ExAC 0.00525; 1000 Genomes Project 0.01518; gnomAD 0.01550 and 0.01677; 1000 Genomes Project 30x 0.01608; TOPMed 0.01794; ESP Exome Variant Server 0.02017.

Submissions (3):

Labcorp Genetics (formerly Invitae), Labcorp
Classification: Benign for Developmental and epileptic encephalopathy 94. Last evaluated: 2026-02-03. Review status: criteria provided, single submitter. Criteria: Invitae Variant Classification Sherloc (09022015). Collection method: clinical testing. Allele origin: germline.

GeneDx
Classification: Benign. Last evaluated: 2016-02-19. Review status: criteria provided, single submitter. Criteria: GeneDx Variant Classification (06012015). Collection method: clinical testing. Allele origin: germline. Affected: yes.
Comment: This variant is considered likely benign or benign based on one or more of the following criteria: it is a conservative change, it occurs at a poorly conserved position in the protein, it is predicted to be benign by multiple in silico algorithms, and/or has population frequency not consistent with disease.

Breakthrough Genomics
Classification: Benign. Review status: criteria provided, single submitter. Criteria: ACMG Guidelines, 2015. Collection method: not provided. Allele origin: germline. Inheritance: Autosomal dominant inheritance. Affected: yes.

NM_001271.4(CHD2):c.4413+15C>T

Gene: CHD2 (chromodomain helicase DNA binding protein 2; plus strand). Cytogenetic location: 15q26.1.
Variant type: single nucleotide variant.
Coding change: c.4413+15C>T on transcript NM_001271.4 (MANE Select); 15 bases into the intron after coding-DNA position 4413, C replaced by T.
Molecular consequence: intron variant.
Genome position (GRCh38, 1-based): chr15:93,004,766, C>T. VCF-style: chr15-93004766-C-T. GRCh37 (hg19) VCF-style: chr15-93547996-C-T.
Identifiers: ClinVar variation 383613 (VCV000383613.10), dbSNP rs74029217, ClinGen allele CA7748457.